The following is an entry in ClinVar:

NM_001378454.1(ALMS1):c.1861dup (p.Ser621fs)

Gene: ALMS1 (ALMS1 centrosome and basal body associated protein; plus strand). Cytogenetic location: 2p13.1.
Variant type: Duplication.
Coding change: c.1861dup on transcript NM_001378454.1 (MANE Select); coding-DNA position 1861, one base duplicated (T; older notation c.1861dupT).
Protein change: p.Ser621fs; shifts the reading frame from serine 621.
Molecular consequence: frameshift variant.
Genome position (GRCh38, 1-based): chr2:73,448,388, T duplicated; the last of 2 consecutive T bases (chr2:73,448,387-73,448,388); duplicating either gives the same sequence. VCF-style (leftmost placement, unchanged base first): chr2-73448386-C-CT. GRCh37 (hg19) VCF-style: chr2-73675513-C-CT.
Other names: c.1859_1860insT (NM_001378454.1); c.1864dup, p.Ser622fs (NM_015120.4); short protein forms S621fs, S622fs.
Identifiers: ClinVar variation 3775263 (VCV003775263.1).

ClinVar aggregate classification (germline): Likely pathogenic (1 of 4 stars; one submission).

Conditions:
Alstrom syndrome (ALMS). Identifiers: Orphanet 64, MedGen C0268425, MONDO:0008763, OMIM 203800.

Submission:

3billion
Classification: Likely pathogenic for Alstrom syndrome. Last evaluated: 2023-08-29. Review status: criteria provided, single submitter. Criteria: ACMG Guidelines, 2015. Collection method: clinical testing. Allele origin: germline. Affected: yes.
Comment: The variant is not observed in the gnomAD v2.1.1 dataset. Predicted Consequence/Location: Frameshift: predicted to result in a loss or disruption of normal protein function through nonsense-mediated decay (NMD) or protein truncation. Multiple pathogenic variants are reported downstream of the variant. Therefore, this variant is classified as Likely pathogenic according to the recommendation of ACMG/AMP guideline.